The following is an entry in ClinVar:

ClinVar aggregate classification (germline): Uncertain significance. Review status: criteria provided, multiple submitters, no conflicts (2 of 4 stars). 3 submissions from 3 submitters: Uncertain significance (3). Last evaluated 2025-04-03.

Conditions:
Inborn genetic diseases. Identifiers: MedGen C0950123, MeSH D030342.
Hereditary spastic paraplegia 11. Also called: Nakamura Osame syndrome; Autosomal recessive hereditary spastic paraplegia, mental impairment, and thin corpus callosum; SPASTIC PARAPLEGIA, AUTOSOMAL RECESSIVE, COMPLICATED, WITH THIN CORPUS CALLOSUM; SPASTIC PARAPLEGIA, AUTOSOMAL RECESSIVE, WITH MENTAL IMPAIRMENT AND THIN CORPUS CALLOSUM; Spastic Paraplegia 11; Spastic paraplegia, mental retardation and thin corpus callosum. Identifiers: Orphanet 2822, MedGen C1858479, MONDO:0011445, OMIM 604360.

Allele frequency attached by ClinVar (database versions not stated): gnomAD 0.00001; gnomAD exomes 0.00001 and 0.00002; TOPMed 0.00001; ExAC 0.00004.
gnomAD v4.1: 25 of 1,596,854 alleles (0.0016%); highest among the groups gnomAD compares: Middle Eastern, 0.017%; no homozygotes.

Submissions (3):

Ambry Genetics
Classification: Uncertain significance for Inborn genetic diseases. Last evaluated: 2025-04-03. Review status: criteria provided, single submitter. Criteria: Ambry Variant Classification Scheme 2023. Collection method: clinical testing. Allele origin: germline.

Mayo Clinic Laboratories, Mayo Clinic
Classification: Uncertain significance. Last evaluated: 2024-09-17. Review status: criteria provided, single submitter. Criteria: ACMG Guidelines, 2015. Collection method: clinical testing. Allele origin: germline. Observed: 1 variant allele.

Labcorp Genetics (formerly Invitae), Labcorp
Classification: Uncertain significance for Hereditary spastic paraplegia 11. Last evaluated: 2021-08-30. Review status: criteria provided, single submitter. Criteria: Invitae Variant Classification Sherloc (09022015). Collection method: clinical testing. Allele origin: germline.
Comment: This sequence change replaces proline with leucine at codon 2195 of the SPG11 protein (p.Pro2195Leu). The proline residue is highly conserved and there is a moderate physicochemical difference between proline and leucine. This variant is present in population databases (rs765217079, ExAC 0.01%). This variant has not been reported in the literature in individuals affected with SPG11-related conditions. Algorithms developed to predict the effect of missense changes on protein structure and function are either unavailable or do not agree on the potential impact of this missense change (SIFT: "Tolerated"; PolyPhen-2: "Probably Damaging"; Align-GVGD: "Class C0"). In summary, the available evidence is currently insufficient to determine the role of this variant in disease. Therefore, it has been classified as a Variant of Uncertain Significance.

NM_025137.4(SPG11):c.6584C>T (p.Pro2195Leu)

Gene: SPG11 (SPG11 vesicle trafficking associated, spatacsin; minus strand). Cytogenetic location: 15q21.1.
Variant type: single nucleotide variant.
Coding change: c.6584C>T on transcript NM_025137.4 (MANE Select); coding-DNA position 6584, C replaced by T.
Protein change: p.Pro2195Leu; replaces proline 2195 with leucine.
Molecular consequence: missense variant.
Genome position (GRCh38, 1-based): chr15:44,569,399, G>A on the plus strand (C>T on the coding strand, the complement: SPG11 is on the minus strand). VCF-style: chr15-44569399-G-A. GRCh37 (hg19) VCF-style: chr15-44861597-G-A.
Other names: p.Pro2195Leu; c.6245C>T, p.Pro2082Leu (NM_001160227.2); short protein forms P2082L, P2195L.
Identifiers: ClinVar variation 638990 (VCV000638990.10), dbSNP rs765217079, ClinGen allele CA7534079.